The following is an entry in ClinVar:

ClinVar aggregate classification (germline): Uncertain significance. Review status: criteria provided, multiple submitters, no conflicts (2 of 4 stars). 3 submissions from 3 submitters: Uncertain significance (3). Last evaluated 2025-05-12.

Conditions:
Klippel-Feil anomaly-myopathy-facial dysmorphism syndrome. Also called: Klippel-feil syndrome 4, autosomal recessive, with nemaline myopathy and facial dysmorphism; Klippel-Feil syndrome 4, autosomal recessive, with myopathy and facial dysmorphism. Identifiers: Orphanet 447974, MedGen C4225285, MONDO:0014689, OMIM 616549.

Allele frequency attached by ClinVar (database versions not stated): gnomAD exomes 0.00010 and 0.00013; ExAC 0.00012; gnomAD 0.00013 and 0.00014; TOPMed 0.00013; 1000 Genomes Project 30x 0.00016; ESP Exome Variant Server 0.00016; 1000 Genomes Project 0.00020.
gnomAD v4.1: 210 of 1,612,114 alleles (0.013%); highest among the groups gnomAD compares: Non-Finnish European, 0.016%; no homozygotes.

Submissions (3):

Revvity Omics, Revvity
Classification: Uncertain significance for Klippel-Feil anomaly-myopathy-facial dysmorphism syndrome. Last evaluated: 2025-05-12. Review status: criteria provided, single submitter. Criteria: ACMG Guidelines, 2015. Collection method: clinical testing. Allele origin: germline.

Blueprint Genetics
Classification: Uncertain significance. Last evaluated: 2024-09-10. Review status: criteria provided, single submitter. Criteria: ACMG Guidelines, 2015. Collection method: clinical testing. Allele origin: germline.

Labcorp Genetics (formerly Invitae), Labcorp
Classification: Uncertain significance. Last evaluated: 2022-07-28. Review status: criteria provided, single submitter. Criteria: Invitae Variant Classification Sherloc (09022015). Collection method: clinical testing. Allele origin: germline.
Comment: This sequence change replaces arginine, which is basic and polar, with glutamine, which is neutral and polar, at codon 1962 of the MYO18B protein (p.Arg1962Gln). This variant is present in population databases (rs150223674, gnomAD 0.02%). This variant has not been reported in the literature in individuals affected with MYO18B-related conditions. ClinVar contains an entry for this variant (Variation ID: 1387200). Algorithms developed to predict the effect of missense changes on protein structure and function are either unavailable or do not agree on the potential impact of this missense change (SIFT: "Not Available"; PolyPhen-2: "Probably Damaging"; Align-GVGD: "Not Available"). In summary, the available evidence is currently insufficient to determine the role of this variant in disease. Therefore, it has been classified as a Variant of Uncertain Significance.

NM_032608.7(MYO18B):c.5885G>A (p.Arg1962Gln)

Gene: MYO18B (myosin XVIIIB; plus strand). Cytogenetic location: 22q12.1.
Variant type: single nucleotide variant.
Coding change: c.5885G>A on transcript NM_032608.7 (MANE Select); coding-DNA position 5885, G replaced by A.
Protein change: p.Arg1962Gln; replaces arginine 1962 with glutamine.
Molecular consequence: missense variant.
Genome position (GRCh38, 1-based): chr22:25,952,338, G>A. VCF-style: chr22-25952338-G-A. GRCh37 (hg19) VCF-style: chr22-26348304-G-A.
Other names: c.5888G>A, p.Arg1963Gln (NM_001318245.2); short protein forms R1963Q, R1962Q.
Identifiers: ClinVar variation 1387200 (VCV001387200.5), dbSNP rs150223674, ClinGen allele CA10161321.